The following is an entry in ClinVar:

ClinVar aggregate classification (germline): Uncertain significance (1 of 4 stars; one submission).

Conditions:
Glycogen storage disease IXa1. Also called: LIVER GLYCOGENOSIS, X-LINKED, TYPE I; GLYCOGEN STORAGE DISEASE VIII; GSD VIII; Glycogen storage disease 8. Identifiers: Orphanet 264580, MedGen C3694531, MONDO:0010598, OMIM 306000.

Submission:

Labcorp Genetics (formerly Invitae), Labcorp
Classification: Uncertain significance for Glycogen storage disease IXa1. Last evaluated: 2025-08-07. Review status: criteria provided, single submitter. Criteria: Invitae Variant Classification Sherloc (09022015). Collection method: clinical testing. Allele origin: germline.
Comment: This sequence change replaces glutamic acid, which is acidic and polar, with leucine, which is neutral and non-polar, at codon 872 of the PHKA2 protein (p.Glu872Leu). Information on the frequency of this variant in the gnomAD database is not available, as this variant may be reported differently in the database. This variant has not been reported in the literature in individuals affected with PHKA2-related conditions. An algorithm developed to predict the effect of missense changes on protein structure and function (PolyPhen-2) suggests that this variant is likely to be tolerated. In summary, the available evidence is currently insufficient to determine the role of this variant in disease. Therefore, it has been classified as a Variant of Uncertain Significance.

NM_000292.3(PHKA2):c.2614_2615delinsTT (p.Glu872Leu)

Gene: PHKA2 (phosphorylase kinase regulatory subunit alpha 2; minus strand). Cytogenetic location: Xp22.13.
Variant type: Indel.
Coding change: c.2614_2615delinsTT on transcript NM_000292.3 (MANE Select); coding-DNA positions 2614 to 2615, GA replaced by TT.
Protein change: p.Glu872Leu; replaces glutamic acid 872 with leucine.
Molecular consequence: missense variant.
Genome position (GRCh38, 1-based): chrX:18,906,797-18,906,798, TC replaced by AA on the plus strand (GA replaced by TT on the coding strand, the reverse complement: PHKA2 is on the minus strand). VCF-style: chrX-18906797-TC-AA. GRCh37 (hg19) VCF-style: chrX-18924915-TC-AA.
Other names: c.2614_2615delinsTT, p.Glu872Leu (NM_001440800.1, NM_001440801.1, NM_001440805.1); c.2515_2516delinsTT, p.Glu839Leu (NM_001440802.1, NM_001440803.1, NM_001440804.1); short protein forms E872L, E839L.
Identifiers: ClinVar variation 4768085 (VCV004768085.1).